The following is an entry in ClinVar:

NM_000080.4(CHRNE):c.943del (p.Ala315fs)

Genes: C17orf107 (chromosome 17 open reading frame 107; plus strand), CHRNE (cholinergic receptor nicotinic epsilon subunit; minus strand). Cytogenetic location: 17p13.2.
Variant type: Deletion.
Coding change: c.943del on transcript NM_000080.4 (MANE Select); coding-DNA position 943, one base deleted (G; older notation c.943delG).
Protein change: p.Ala315fs; shifts the reading frame from alanine 315.
Molecular consequence: frameshift variant. On other transcripts: 5 prime UTR variant (1).
Genome position (GRCh38, 1-based): chr17:4,899,557, C deleted on the plus strand (G on the coding strand, the reverse complement: CHRNE is on the minus strand). VCF-style (leftmost placement, unchanged base first): chr17-4899556-GC-G. GRCh37 (hg19) VCF-style: chr17-4802851-GC-G.
Other names: c.-206del (NM_001145536.2); short protein forms A315fs.
Identifiers: ClinVar variation 4718704 (VCV004718704.1).

ClinVar aggregate classification (germline): Pathogenic (1 of 4 stars; one submission).

Conditions:
Congenital myasthenic syndrome 4A. Also called: Myasthenic syndrome, congenital, 4a, slow-channel; CONGENITAL MYASTHENIC SYNDROME TYPE Ia1; MYASTHENIC SYNDROME, CONGENITAL, 4A, SLOW-CHANNEL, AUTOSOMAL RECESSIVE. Identifiers: Orphanet 590, MedGen C4225413, MONDO:0011600, OMIM 605809.

Submission:

Labcorp Genetics (formerly Invitae), Labcorp
Classification: Pathogenic for Congenital myasthenic syndrome 4A. Last evaluated: 2025-04-30. Review status: criteria provided, single submitter. Criteria: Invitae Variant Classification Sherloc (09022015). Collection method: clinical testing. Allele origin: germline.
Comment: This sequence change creates a premature translational stop signal (p.Ala315Profs*6) in the CHRNE gene. It is expected to result in an absent or disrupted protein product. Loss-of-function variants in CHRNE are known to be pathogenic (PMID: 22678886). This variant is not present in population databases (gnomAD no frequency). This variant has not been reported in the literature in individuals affected with CHRNE-related conditions. For these reasons, this variant has been classified as Pathogenic.

Literature cited by the submitters: PubMed 22678886.